The following is an entry in ClinVar:

NM_002294.3(LAMP2):c.579A>G (p.Lys193=)

Gene: LAMP2 (lysosome associated membrane protein 2; minus strand). Cytogenetic location: Xq24.
Variant type: single nucleotide variant.
Coding change: c.579A>G on transcript NM_002294.3 (MANE Select); coding-DNA position 579, A replaced by G.
Protein change: p.Lys193=; no amino-acid change (lysine 193 retained).
Molecular consequence: synonymous variant.
Genome position (GRCh38, 1-based): chrX:120,448,003, T>C on the plus strand (A>G on the coding strand, the complement: LAMP2 is on the minus strand). VCF-style: chrX-120448003-T-C. GRCh37 (hg19) VCF-style: chrX-119581858-T-C.
Other names: c.579A>G, p.Lys193= (NM_001122606.1, NM_013995.2).
Identifiers: ClinVar variation 2799200 (VCV002799200.5), dbSNP rs2520884837, ClinGen allele CA518401891.

ClinVar aggregate classification (germline): Likely benign. Review status: criteria provided, single submitter (1 of 4 stars). 2 submissions from 2 submitters: Likely benign (1). 1 of the submissions does not count toward it. Last evaluated 2023-03-20.

Conditions:
LAMP2-related disorder. Also called: LAMP2-related condition.
Danon disease. Also called: ANTOPOL DISEASE; GSD IIb; LYSOSOMAL GLYCOGEN STORAGE DISEASE WITHOUT ACID MALTASE DEFICIENCY; Glycogen Storage Disease Type IIb; PSEUDOGLYCOGENOSIS II. Identifiers: Orphanet 34587, MedGen C0878677, MONDO:0010281, OMIM 300257.

Submissions (2):

Labcorp Genetics (formerly Invitae), Labcorp
Classification: Likely benign for Danon disease. Last evaluated: 2023-03-20. Review status: criteria provided, single submitter. Criteria: Invitae Variant Classification Sherloc (09022015). Collection method: clinical testing. Allele origin: germline.

PreventionGenetics, part of Exact Sciences
Classification: Likely benign for LAMP2-related condition. Last evaluated: 2021-10-05. Review status: no assertion criteria provided. Collection method: clinical testing. Allele origin: germline. Not counted in ClinVar's aggregate classification.
Comment: This variant is classified as likely benign based on ACMG/AMP sequence variant interpretation guidelines (Richards et al. 2015 PMID: 25741868, with internal and published modifications).